The following is an entry in ClinVar:

ClinVar aggregate classification (germline): Uncertain significance (1 of 4 stars; one submission).

gnomAD v4.1: 8 of 1,578,814 alleles (0.00051%); highest among the groups gnomAD compares: African/African-American, 0.0014%; no homozygotes.

Submissions (2):

Labcorp Genetics (formerly Invitae), Labcorp
Classification: Uncertain significance. Last evaluated: 2025-04-07. Review status: criteria provided, single submitter. Criteria: Invitae Variant Classification Sherloc (09022015). Collection method: clinical testing. Allele origin: germline.
Comment: This sequence change falls in intron 8 of the KMT2B gene. It does not directly change the encoded amino acid sequence of the KMT2B protein. It affects a nucleotide within the consensus splice site. This variant is present in population databases (rs761028947, gnomAD 0.004%). This variant has not been reported in the literature in individuals affected with KMT2B-related conditions. ClinVar contains an entry for this variant (Variation ID: 3710792). Variants that disrupt the consensus splice site are a relatively common cause of aberrant splicing (PMID: 17576681, 9536098). Algorithms developed to predict the effect of sequence changes on RNA splicing suggest that this variant may disrupt the consensus splice site. In summary, the available evidence is currently insufficient to determine the role of this variant in disease. Therefore, it has been classified as a Variant of Uncertain Significance.

Dr. Peter K. Rogan Lab, Western University
No classification provided (evidence only). Condition: Gastric cancer. Review status: no classification provided. Collection method: in vitro. Allele origin: not applicable. Functional consequence: retained intron. Not counted in ClinVar's aggregate classification.

Literature cited by the submitters: PubMed 17576681 (cited by Labcorp Genetics (formerly Invitae), Labcorp); PubMed 9536098 (cited by Labcorp Genetics (formerly Invitae), Labcorp).

NM_014727.3(KMT2B):c.3334+5G>A

Gene: KMT2B (lysine methyltransferase 2B; plus strand). Cytogenetic location: 19q13.12.
Variant type: single nucleotide variant.
Coding change: c.3334+5G>A on transcript NM_014727.3 (MANE Select); 5 bases into the intron after coding-DNA position 3334, G replaced by A.
Molecular consequence: intron variant.
Genome position (GRCh38, 1-based): chr19:35,724,012, G>A. VCF-style: chr19-35724012-G-A. GRCh37 (hg19) VCF-style: chr19-36214913-G-A.
Identifiers: ClinVar variation 3710792 (VCV003710792.3).